The following is an entry in ClinVar:

ClinVar aggregate classification (germline): Uncertain significance (1 of 4 stars; one submission).

Conditions:
Hereditary cancer-predisposing syndrome. Also called: Neoplastic Syndromes, Hereditary; Hereditary Cancer Syndrome; Hereditary neoplastic syndrome; Tumor predisposition. Identifiers: Orphanet 140162, MedGen C0027672, MeSH D009386, MONDO:0015356.

Allele frequency attached by ClinVar (database versions not stated): TOPMed below 0.00001.

Submission:

Ambry Genetics
Classification: Uncertain significance for Hereditary cancer-predisposing syndrome. Last evaluated: 2023-04-17. Review status: criteria provided, single submitter. Criteria: Ambry Variant Classification Scheme 2023. Collection method: clinical testing. Allele origin: germline.
Comment: The c.792+5G>A intronic variant results from a G to A substitution 5 nucleotides after coding exon 4 in the MSH3 gene. This nucleotide position is highly conserved in available vertebrate species. In silico splice site analysis predicts that this alteration will not have any significant effect on splicing. RNA studies have demonstrated that this alteration results in a transcript predicted to lead to a protein with an in-frame deletion of 71 amino acids; however, the exact functional impact of the deleted amino acids is unknown at this time (Ambry internal data). Since supporting evidence is limited at this time, the clinical significance of this alteration remains unclear.

NM_002439.5(MSH3):c.792+5G>A

Gene: MSH3 (mutS homolog 3; plus strand). Cytogenetic location: 5q14.1.
Variant type: single nucleotide variant.
Coding change: c.792+5G>A on transcript NM_002439.5 (MANE Select); 5 bases into the intron after coding-DNA position 792, G replaced by A.
Molecular consequence: intron variant.
Genome position (GRCh38, 1-based): chr5:80,670,314, G>A. VCF-style: chr5-80670314-G-A. GRCh37 (hg19) VCF-style: chr5-79966133-G-A.
Identifiers: ClinVar variation 2565646 (VCV002565646.2), dbSNP rs1749676618, ClinGen allele CA1558482714.